The following is an entry in ClinVar:

NM_001080779.2(MYO1C):c.2004C>T (p.Tyr668=)

Gene: MYO1C (myosin IC; minus strand). Cytogenetic location: 17p13.3.
Variant type: single nucleotide variant.
Coding change: c.2004C>T on transcript NM_001080779.2 (MANE Select); coding-DNA position 2004, C replaced by T.
Protein change: p.Tyr668=; no amino-acid change (tyrosine 668 retained).
Molecular consequence: synonymous variant.
Genome position (GRCh38, 1-based): chr17:1,471,924, G>A on the plus strand (C>T on the coding strand, the complement: MYO1C is on the minus strand). VCF-style: chr17-1471924-G-A. GRCh37 (hg19) VCF-style: chr17-1375218-G-A.
Other names: c.1947C>T, p.Tyr649= (NM_001080950.2); c.1932C>T, p.Tyr644= (NM_001363855.1); c.1899C>T, p.Tyr633= (NM_033375.5).
Identifiers: ClinVar variation 508612 (VCV000508612.6), dbSNP rs78672478, ClinGen allele CA8267229.
Genomic context (GRCh38, chr17:1,471,924, plus strand): 5'-CTCCCGCTCCCCTTCCCTGGCACCGAGCAGGACCTGCCCCCACCTTTGCAGGAAAGCTTC[G>A]TATTTGCGGCGATAGGCAAAGCCGGCTCTGCGCACGCGCAGGTTTTCCAACAGCCCCAGG-3'
Protein context (NP_001074248.1, residues 658-678): RRAGFAYRRK[Tyr668=]EAFLQRYKSL

ClinVar aggregate classification (germline): Benign/Likely benign. Review status: criteria provided, multiple submitters, no conflicts (2 of 4 stars). 3 submissions from 3 submitters: Benign (1); Likely benign (2). Last evaluated 2019-12-31.

Allele frequency attached by ClinVar (database versions not stated): 1000 Genomes Project 30x 0.00109; 1000 Genomes Project 0.00120; TOPMed 0.00282; gnomAD 0.00300 and 0.00338; ESP Exome Variant Server 0.00361.
gnomAD v4.1: 5,638 of 1,614,114 alleles (0.35%); highest among the groups gnomAD compares: Non-Finnish European, 0.41%; 19 homozygotes.

Submissions (3):

Labcorp Genetics (formerly Invitae), Labcorp
Classification: Benign. Last evaluated: 2019-12-31. Review status: criteria provided, single submitter. Criteria: Invitae Variant Classification Sherloc (09022015). Collection method: clinical testing. Allele origin: germline.

GeneDx
Classification: Likely benign. Last evaluated: 2018-02-09. Review status: criteria provided, single submitter. Criteria: GeneDx Variant Classification (06012015). Collection method: clinical testing. Allele origin: germline. Affected: yes.
Comment: This variant is considered likely benign or benign based on one or more of the following criteria: it is a conservative change, it occurs at a poorly conserved position in the protein, it is predicted to be benign by multiple in silico algorithms, and/or has population frequency not consistent with disease.

Breakthrough Genomics
Classification: Likely benign. Review status: criteria provided, single submitter. Criteria: ACMG Guidelines, 2015. Collection method: not provided. Allele origin: germline. Inheritance: Unknown mechanism. Affected: yes.